The following is an entry in ClinVar:

ClinVar aggregate classification (germline): Uncertain significance (1 of 4 stars; one submission).

Submission:

Labcorp Genetics (formerly Invitae), Labcorp
Classification: Uncertain significance. Last evaluated: 2025-11-25. Review status: criteria provided, single submitter. Criteria: Invitae Variant Classification Sherloc (09022015). Collection method: clinical testing. Allele origin: germline.
Comment: This sequence change replaces histidine, which is basic and polar, with arginine, which is basic and polar, at codon 257 of the ITGB4 protein (p.His257Arg). This variant is not present in population databases (gnomAD no frequency). This variant has not been reported in the literature in individuals affected with ITGB4-related conditions. Invitae Evidence Modeling of protein sequence and biophysical properties (such as structural, functional, and spatial information, amino acid conservation, physicochemical variation, residue mobility, and thermodynamic stability) indicates that this missense variant is not expected to disrupt ITGB4 protein function with a negative predictive value of 80%. In summary, the available evidence is currently insufficient to determine the role of this variant in disease. Therefore, it has been classified as a Variant of Uncertain Significance.

NM_000213.5(ITGB4):c.770A>G (p.His257Arg)

Gene: ITGB4 (integrin subunit beta 4; plus strand). Cytogenetic location: 17q25.1.
Variant type: single nucleotide variant.
Coding change: c.770A>G on transcript NM_000213.5 (MANE Select); coding-DNA position 770, A replaced by G.
Protein change: p.His257Arg; replaces histidine 257 with arginine.
Molecular consequence: missense variant.
Genome position (GRCh38, 1-based): chr17:75,730,272, A>G. VCF-style: chr17-75730272-A-G. GRCh37 (hg19) VCF-style: chr17-73726353-A-G.
Other names: c.770A>G, p.His257Arg (NM_001005619.2, NM_001005731.3, NM_001321123.2 and 1 more transcripts); short protein forms H257R.
Identifiers: ClinVar variation 4702530 (VCV004702530.1).